The following is an entry in ClinVar:

NM_004225.3(MFHAS1):c.3099G>A (p.Thr1033=)

Gene: MFHAS1 (multifunctional ROCO family signaling regulator 1). Cytogenetic location: 8p23.1.
Variant type: single nucleotide variant.
Coding change: c.3099G>A on transcript NM_004225.3 (MANE Select); coding-DNA position 3099, G replaced by A.
Protein change: p.Thr1033=; no amino-acid change (threonine 1033 retained).
Molecular consequence: synonymous variant.
Genome position (GRCh38, 1-based): chr8:8,797,391, C>T on the plus strand (G>A on the coding strand, the complement: MFHAS1 is on the minus strand). VCF-style: chr8-8797391-C-T. GRCh37 (hg19) VCF-style: chr8-8654901-C-T.
Identifiers: ClinVar variation 4821612 (VCV004821612.4).

ClinVar aggregate classification (germline): Likely benign (1 of 4 stars; one submission).

gnomAD v4.1: 272 of 1,613,844 alleles (0.017%); highest among the groups gnomAD compares: Non-Finnish European, 0.021%; no homozygotes.

Submission:

CeGaT Center for Human Genetics Tuebingen
Classification: Likely benign. Last evaluated: 2026-02-01. Review status: criteria provided, single submitter. Criteria: CeGaT Center For Human Genetics Tuebingen Variant Classification Criteria Version 2. Collection method: clinical testing. Allele origin: germline. Affected: yes. Observed: 1 variant allele.
Comment: MFHAS1: BP4, BP7